The following is an entry in ClinVar:

NM_138691.3(TMC1):c.1544G>T (p.Cys515Phe)

Gene: TMC1 (transmembrane channel like 1; plus strand). Cytogenetic location: 9q21.13.
Variant type: single nucleotide variant.
Coding change: c.1544G>T on transcript NM_138691.3 (MANE Select); coding-DNA position 1544, G replaced by T.
Protein change: p.Cys515Phe; replaces cysteine 515 with phenylalanine.
Molecular consequence: missense variant.
Genome position (GRCh38, 1-based): chr9:72,792,330, G>T. VCF-style: chr9-72792330-G-T. GRCh37 (hg19) VCF-style: chr9-75407246-G-T.
Other names: short protein forms C515F.
Identifiers: ClinVar variation 3005613 (VCV003005613.3), dbSNP rs767642609, ClinGen allele CA5081968.
Genomic context (GRCh38, chr9:72,792,330, plus strand): 5'-CTGAAAATAGCACTGGACCACCCTTTTTTGTTCACCCTGCAGATGTACCTCGAGGACCTT[G>T]CTGGGAAACAATGGTGGGACAGGTAATGCCACCAACAGAAGTGTATGGCAATTAGTAGAT-3'
Protein context (NP_619636.2, residues 505-525): VHPADVPRGP[Cys515Phe]WETMVGQEFV

ClinVar aggregate classification (germline): Likely pathogenic (1 of 4 stars; one submission).

Allele frequency attached by ClinVar (database versions not stated): gnomAD exomes below 0.00001; ExAC 0.00001.
gnomAD v4.1: 5 of 1,614,144 alleles (0.00031%); highest among the groups gnomAD compares: Non-Finnish European, 0.000085%; no homozygotes.

Submission:

Labcorp Genetics (formerly Invitae), Labcorp
Classification: Likely pathogenic. Last evaluated: 2023-08-28. Review status: criteria provided, single submitter. Criteria: Invitae Variant Classification Sherloc (09022015). Collection method: clinical testing. Allele origin: germline.
Comment: This sequence change replaces cysteine, which is neutral and slightly polar, with phenylalanine, which is neutral and non-polar, at codon 515 of the TMC1 protein (p.Cys515Phe). In summary, the currently available evidence indicates that the variant is pathogenic, but additional data are needed to prove that conclusively. Therefore, this variant has been classified as Likely Pathogenic. This variant disrupts the p.Cys515 amino acid residue in TMC1. Other variant(s) that disrupt this residue have been determined to be pathogenic (PMID: 17877751). This suggests that this residue is clinically significant, and that variants that disrupt this residue are likely to be disease-causing. Advanced modeling of protein sequence and biophysical properties (such as structural, functional, and spatial information, amino acid conservation, physicochemical variation, residue mobility, and thermodynamic stability) performed at Invitae indicates that this missense variant is expected to disrupt TMC1 protein function. This variant has not been reported in the literature in individuals affected with TMC1-related conditions. This variant is present in population databases (rs767642609, gnomAD 0.02%).

Literature cited by the submitters: PubMed 17877751.